The following is an entry in ClinVar:

NM_001942.4(DSG1):c.1374A>T (p.Gly458=)

Gene: DSG1 (desmoglein 1; plus strand). Cytogenetic location: 18q12.1.
Variant type: single nucleotide variant.
Coding change: c.1374A>T on transcript NM_001942.4 (MANE Select); coding-DNA position 1374, A replaced by T.
Protein change: p.Gly458=; no amino-acid change (glycine 458 retained).
Molecular consequence: synonymous variant.
Genome position (GRCh38, 1-based): chr18:31,338,423, A>T. VCF-style: chr18-31338423-A-T. GRCh37 (hg19) VCF-style: chr18-28918386-A-T.
Identifiers: ClinVar variation 3619259 (VCV003619259.2).
Genomic context (GRCh38, chr18:31,338,423, plus strand): 5'-AACAGGCAAACTCACTTTGAAAAATAAAGTTACCAAGGAACAGTACAATATGCTCGGAGG[A>T]AAATACCAAGGAACGATTCTCTCTATAGATGGTAAGAAATTAATTTACATTTTTATCTTT-3'
Protein context (NP_001933.2, residues 448-468): VTKEQYNMLG[Gly458=]KYQGTILSID

ClinVar aggregate classification (germline): Uncertain significance (1 of 4 stars; one submission).

gnomAD v4.1: 2 of 1,613,634 alleles (0.00012%); highest among the groups gnomAD compares: Non-Finnish European, 0.00017%; no homozygotes.

Submission:

Labcorp Genetics (formerly Invitae), Labcorp
Classification: Uncertain significance. Last evaluated: 2025-02-03. Review status: criteria provided, single submitter. Criteria: Invitae Variant Classification Sherloc (09022015). Collection method: clinical testing. Allele origin: germline.
Comment: This sequence change affects codon 458 of the DSG1 mRNA. It is a 'silent' change, meaning that it does not change the encoded amino acid sequence of the DSG1 protein. This variant is present in population databases (rs201464640, gnomAD 0.0009%). This variant has not been reported in the literature in individuals affected with DSG1-related conditions. Algorithms developed to predict the effect of sequence changes on RNA splicing suggest that this variant may create or strengthen a splice site. In summary, the available evidence is currently insufficient to determine the role of this variant in disease. Therefore, it has been classified as a Variant of Uncertain Significance.